The following is an entry in ClinVar:

ClinVar aggregate classification (germline): Likely pathogenic (1 of 4 stars; one submission).

Conditions:
Nemaline myopathy 2 (NEM2). Also called: Nemaline myopathy 2, autosomal recessive. Identifiers: MedGen C1850569, MONDO:0009725, OMIM 256030.

Submission:

Myriad Genetics, Inc.
Classification: Likely pathogenic for Nemaline myopathy 2. Last evaluated: 2022-03-14. Review status: criteria provided, single submitter. Criteria: Myriad Women's Health Autosomal Recessive and X-Linked Classification Criteria (2021). Collection method: clinical testing. Allele origin: unknown.
Comment: NM_001271208.1(NEB):c.24835G>T(E8279*) is expected to be pathogenic in the context of NEB-related nemaline myopathy. This variant is predicted to lead to an abnormal or absent protein product due to the creation of a premature termination codon in NEB, a gene where loss-of-function variants are known to be pathogenic. Please note: this variant was assessed in the context of healthy population screening.

NM_001164508.2(NEB):c.24730G>T (p.Glu8244Ter)

Genes: NEB (nebulin; minus strand), RIF1 (replication timing regulatory factor 1; plus strand). Cytogenetic location: 2q23.3.
Variant type: single nucleotide variant.
Coding change: c.24730G>T on transcript NM_001164508.2 (MANE Select); coding-DNA position 24730, G replaced by T.
Protein change: p.Glu8244Ter; replaces glutamic acid 8244 with a stop codon.
Molecular consequence: nonsense.
Genome position (GRCh38, 1-based): chr2:151,493,388, C>A on the plus strand (G>T on the coding strand, the complement: NEB is on the minus strand). VCF-style: chr2-151493388-C-A. GRCh37 (hg19) VCF-style: chr2-152349902-C-A.
Other names: c.24730G>T, p.Glu8244Ter (NM_001164507.2); c.24835G>T, p.Glu8279Ter (NM_001271208.2); c.19162G>T, p.Glu6388Ter (NM_004543.5); short protein forms E6388*, E8244*, E8279*.
Identifiers: ClinVar variation 1725206 (VCV001725206.2), dbSNP rs2551726176, ClinGen allele CA348774717.
Genomic context (GRCh38, chr2:151,493,388, plus strand): 5'-ATTTCTTTTTAGTCCTAGAAAATACCGAGCTAATGTTTTCTTGGTTGCGCTTAGCTCTCT[C>A]CATCTCTGGAGTAACAGGTGTCGGAGTTGCTTTTCTCATGTTCTCTTTGTACAATACCTA-3'